The following is an entry in ClinVar:

ClinVar aggregate classification (germline): Uncertain significance (1 of 4 stars; one submission).

Conditions:
Pitt-Hopkins-like syndrome 2 (PTHSL2). Identifiers: Orphanet 221150, Orphanet 600663, MedGen C3280479, MONDO:0013690, OMIM 614325.

Allele frequency attached by ClinVar (database versions not stated): gnomAD exomes below 0.00001.
gnomAD v4.1: 1 of 1,612,108 alleles (0.000062%); no homozygotes.

Submission:

Labcorp Genetics (formerly Invitae), Labcorp
Classification: Uncertain significance for Pitt-Hopkins-like syndrome 2. Last evaluated: 2025-08-01. Review status: criteria provided, single submitter. Criteria: Invitae Variant Classification Sherloc (09022015). Collection method: clinical testing. Allele origin: germline.
Comment: This sequence change replaces glutamic acid, which is acidic and polar, with lysine, which is basic and polar, at codon 176 of the NRXN1 protein (p.Glu176Lys). This variant is not present in population databases (gnomAD no frequency). This variant has not been reported in the literature in individuals affected with NRXN1-related conditions. ClinVar contains an entry for this variant (Variation ID: 1475754). An algorithm developed to predict the effect of missense changes on protein structure and function (PolyPhen-2) suggests that this variant is likely to be tolerated. In summary, the available evidence is currently insufficient to determine the role of this variant in disease. Therefore, it has been classified as a Variant of Uncertain Significance.

NM_001330078.2(NRXN1):c.526G>A (p.Glu176Lys)

Gene: NRXN1 (neurexin 1; minus strand). Cytogenetic location: 2p16.3.
Variant type: single nucleotide variant.
Coding change: c.526G>A on transcript NM_001330078.2 (MANE Select); coding-DNA position 526, G replaced by A.
Protein change: p.Glu176Lys; replaces glutamic acid 176 with lysine.
Molecular consequence: missense variant.
Genome position (GRCh38, 1-based): chr2:51,027,748, C>T on the plus strand (G>A on the coding strand, the complement: NRXN1 is on the minus strand). VCF-style: chr2-51027748-C-T. GRCh37 (hg19) VCF-style: chr2-51254886-C-T.
Other names: c.526G>A, p.Glu176Lys (NM_001135659.3, NM_001330077.2, NM_001330079.2 and 15 more transcripts); short protein forms E176K.
Identifiers: ClinVar variation 1475754 (VCV001475754.6), dbSNP rs1055688829, ClinGen allele CA48054899.
Genomic context (GRCh38, chr2:51,027,748, plus strand): 5'-GCAGGACCTGCGAGGAGTTGACCCTCACGTCACGAATCCACCCCTTGAAGGGCTCCCGCT[C>T]CCTCACCGAGGCCAGGGTGAGCTTGAGCGCCGCGGCGCGCAGTTCCGGGGGCAGCCCCCC-3'
Protein context (NP_001317007.1, residues 166-186): ALKLTLASVR[Glu176Lys]REPFKGWIRD